The following is an entry in ClinVar:

NM_000455.5(STK11):c.31A>G (p.Met11Val)

Gene: STK11 (serine/threonine kinase 11; plus strand). Cytogenetic location: 19p13.3.
Variant type: single nucleotide variant.
Coding change: c.31A>G on transcript NM_000455.5 (MANE Select); coding-DNA position 31, A replaced by G.
Protein change: p.Met11Val; replaces methionine 11 with valine.
Molecular consequence: missense variant.
Genome position (GRCh38, 1-based): chr19:1,206,944, A>G. VCF-style: chr19-1206944-A-G. GRCh37 (hg19) VCF-style: chr19-1206943-A-G.
Other names: short protein forms M11V.
Identifiers: ClinVar variation 233673 (VCV000233673.26), dbSNP rs753834428, ClinGen allele CA047107.

ClinVar aggregate classification (germline): Uncertain significance. Review status: criteria provided, multiple submitters, no conflicts (2 of 4 stars). 7 submissions from 7 submitters: Uncertain significance (7). Last evaluated 2025-11-05.

Conditions:
Melanoma, cutaneous malignant, susceptibility to, 1 (CMM1). Also called: B-K MOLE SYNDROME; MELANOMA, MALIGNANT; DYSPLASTIC NEVUS SYNDROME, HEREDITARY; FAMILIAL ATYPICAL MOLE-MALIGNANT MELANOMA SYNDROME. Identifiers: Orphanet 618, MedGen C1835047, MONDO:0007963, OMIM 155600.
Hereditary cancer-predisposing syndrome. Also called: Tumor predisposition; Hereditary Cancer Syndrome; Hereditary neoplastic syndrome; Neoplastic Syndromes, Hereditary. Identifiers: Orphanet 140162, MedGen C0027672, MeSH D009386, MONDO:0015356.
Peutz-Jeghers syndrome (PJS). Also called: POLYPOSIS, HAMARTOMATOUS INTESTINAL; POLYPS-AND-SPOTS SYNDROME; Peutz-Jeghers polyposis; Periorificial lentiginosis syndrome. Identifiers: Orphanet 2869, MedGen C0031269, MeSH D010580, MONDO:0008280, OMIM 175200.

Allele frequency attached by ClinVar (database versions not stated): ExAC 0.00002.

Submissions (7):

Ambry Genetics
Classification: Uncertain significance for Hereditary cancer-predisposing syndrome. Last evaluated: 2025-11-05. Review status: criteria provided, single submitter. Criteria: Ambry Variant Classification Scheme 2023. Collection method: clinical testing. Allele origin: germline.
Comment: The p.M11V variant (also known as c.31A>G), located in coding exon 1 of the STK11 gene, results from an A to G substitution at nucleotide position 31. The methionine at codon 11 is replaced by valine, an amino acid with highly similar properties. In one study, this variant was reported in 1/1824 patients with triple negative breast cancer unselected for family history of breast or ovarian cancer (Couch FJ et al. J. Clin. Oncol. 2015 Feb;33(4):304-11). This alteration has also been reported in an individual affected with colorectal cancer (DeRycke MS et al. Mol Genet Genomic Med, 2017 Sep;5:553-569). In addition, this variant has been observed in at least one individual with a personal history that is consistent with Peutz-Jeghers syndrome (Ambry internal data). This amino acid position is not well conserved in available vertebrate species. In addition, this alteration is predicted to be tolerated by in silico analysis. Since supporting evidence is limited and conflicting at this time, the clinical significance of this alteration remains unclear.

Labcorp Genetics (formerly Invitae), Labcorp
Classification: Uncertain significance for Peutz-Jeghers syndrome. Last evaluated: 2024-12-07. Review status: criteria provided, single submitter. Criteria: Invitae Variant Classification Sherloc (09022015). Collection method: clinical testing. Allele origin: germline.
Comment: This sequence change replaces methionine, which is neutral and non-polar, with valine, which is neutral and non-polar, at codon 11 of the STK11 protein (p.Met11Val). This variant is present in population databases (rs753834428, gnomAD 0.001%). This missense change has been observed in individual(s) with breast cancer or colorectal cancer (PMID: 25452441, 28944238). ClinVar contains an entry for this variant (Variation ID: 233673). Invitae Evidence Modeling of protein sequence and biophysical properties (such as structural, functional, and spatial information, amino acid conservation, physicochemical variation, residue mobility, and thermodynamic stability) indicates that this missense variant is not expected to disrupt STK11 protein function with a negative predictive value of 95%. In summary, the available evidence is currently insufficient to determine the role of this variant in disease. Therefore, it has been classified as a Variant of Uncertain Significance.

GeneDx
Classification: Uncertain significance. Last evaluated: 2024-09-24. Review status: criteria provided, single submitter. Criteria: GeneDx Variant Classification Process June 2021. Collection method: clinical testing. Allele origin: germline. Affected: yes.
Comment: Not observed at significant frequency in large population cohorts (gnomAD); In silico analysis indicates that this missense variant does not alter protein structure/function; This variant is associated with the following publications: (PMID: 25452441, 36243179, 28944238)

All of Us Research Program, National Institutes of Health
Classification: Uncertain significance for Peutz-Jeghers syndrome. Last evaluated: 2023-12-13. Review status: criteria provided, single submitter. Criteria: ACMG Guidelines, 2015. Collection method: clinical testing. Allele origin: germline. Inheritance: Autosomal dominant inheritance. Observed: 3 variant alleles, 3 heterozygotes.
Comment: This missense variant replaces methionine with valine at codon 11 of the STK11 protein. Computational prediction suggests that this variant may not impact protein structure and function (internally defined REVEL score threshold <= 0.5, PMID: 27666373). Splice site prediction tools suggest that this variant may not impact RNA splicing. To our knowledge, functional studies have not been performed for this variant. This variant has been reported in one individual affected with triple negative breast cancer in the literature (PMID: 25452441). This variant has not been identified in the general population by the Genome Aggregation Database (gnomAD). The available evidence is insufficient to determine the role of this variant in disease conclusively. Therefore, this variant is classified as a Variant of Uncertain Significance.

This study involves interpretation of variants in research participants for the purpose of population health screening. Participant phenotype was not available at the time of variant classification. Additional details can be found in publication PMID: 35346344, PMCID: PMC8962531

Baylor Genetics
Classification: Uncertain significance for Melanoma, cutaneous malignant, susceptibility to, 1. Last evaluated: 2023-08-29. Review status: criteria provided, single submitter. Criteria: ACMG Guidelines, 2015. Collection method: clinical testing. Allele origin: unknown.

Color Diagnostics, LLC DBA Color Health
Classification: Uncertain significance for Hereditary cancer-predisposing syndrome. Last evaluated: 2023-05-09. Review status: criteria provided, single submitter. Criteria: ACMG Guidelines, 2015. Collection method: clinical testing. Allele origin: germline.
Comment: This missense variant replaces methionine with valine at codon 11 of the STK11 protein. Computational prediction suggests that this variant may not impact protein structure and function (internally defined REVEL score threshold <= 0.5, PMID: 27666373). To our knowledge, functional studies have not been performed for this variant. This variant has been reported in an individual affected with triple negative breast cancer (PMID: 25452441) and an individual affected with colorectal cancer (PMID: 28944238). This variant has not been identified in the general population by the Genome Aggregation Database (gnomAD). The available evidence is insufficient to determine the role of this variant in disease conclusively. Therefore, this variant is classified as a Variant of Uncertain Significance.

Genome-Nilou Lab
Classification: Uncertain significance for Peutz-Jeghers syndrome. Last evaluated: 2021-07-15. Review status: criteria provided, single submitter. Criteria: ACMG Guidelines, 2015. Collection method: clinical testing. Allele origin: germline. Affected: no.

Literature cited by the submitters: PubMed 25452441 (cited by 4 submitters); PubMed 28944238 (cited by 3 submitters).